The following is an entry in ClinVar:

NM_000829.4(GRIA4):c.2146C>T (p.Arg716Cys)

Gene: GRIA4 (glutamate ionotropic receptor AMPA type subunit 4; plus strand). Cytogenetic location: 11q22.3.
Variant type: single nucleotide variant.
Coding change: c.2146C>T on transcript NM_000829.4 (MANE Select); coding-DNA position 2146, C replaced by T.
Protein change: p.Arg716Cys; replaces arginine 716 with cysteine.
Molecular consequence: missense variant. On other transcripts: non-coding transcript variant (1).
Genome position (GRCh38, 1-based): chr11:105,933,821, C>T. VCF-style: chr11-105933821-C-T. GRCh37 (hg19) VCF-style: chr11-105804547-C-T.
Other names: c.2146C>T, p.Arg716Cys (NM_001077243.3); short protein forms R716C.
Identifiers: ClinVar variation 3343823 (VCV003343823.2).

ClinVar aggregate classification (germline): Uncertain significance (1 of 4 stars; one submission).

Submission:

GeneDx
Classification: Uncertain significance. Last evaluated: 2026-06-30. Review status: criteria provided, single submitter. Criteria: GeneDx Variant Classification Process June 2021. Collection method: clinical testing. Allele origin: germline.
Comment: Not observed at significant frequency in large population cohorts (gnomAD); In silico analysis supports that this missense variant has a deleterious effect on protein structure/function; Has not been previously published as pathogenic or benign to our knowledge